The following is an entry in ClinVar:

ClinVar aggregate classification (germline): Uncertain significance (1 of 4 stars; one submission).

Submission:

Labcorp Genetics (formerly Invitae), Labcorp
Classification: Uncertain significance. Last evaluated: 2022-02-10. Review status: criteria provided, single submitter. Criteria: Invitae Variant Classification Sherloc (09022015). Collection method: clinical testing. Allele origin: germline.
Comment: This variant is not present in population databases (gnomAD no frequency). This sequence change creates a premature translational stop signal (p.Ile74Tyrfs*17) in the BCL11B gene. It is expected to result in an absent or disrupted protein product. However, the current clinical and genetic evidence is not sufficient to establish whether loss-of-function variants in BCL11B cause disease. This variant has not been reported in the literature in individuals affected with BCL11B-related conditions. In summary, the available evidence is currently insufficient to determine the role of this variant in disease. Therefore, it has been classified as a Variant of Uncertain Significance.

NM_138576.4(BCL11B):c.219dup (p.Ile74fs)

Gene: BCL11B (BCL11 transcription factor B; minus strand). Cytogenetic location: 14q32.2.
Variant type: Duplication.
Coding change: c.219dup on transcript NM_138576.4 (MANE Select); coding-DNA position 219, one base duplicated (T; older notation c.219dupT).
Protein change: p.Ile74fs; shifts the reading frame from isoleucine 74.
Molecular consequence: frameshift variant.
Genome position (GRCh38, 1-based): chr14:99,257,679, A duplicated on the plus strand (T on the coding strand, the reverse complement: BCL11B is on the minus strand); the first of 5 consecutive A bases (chr14:99,257,679-99,257,683); duplicating any one gives the same sequence. VCF-style (leftmost placement, unchanged base first): chr14-99257678-T-TA. GRCh37 (hg19) VCF-style: chr14-99724015-T-TA.
Other names: c.216dup, p.Ile73fs (NM_001282237.2, NM_001282238.2); c.219dup, p.Ile74fs (NM_022898.3); short protein forms I73fs, I74fs.
Identifiers: ClinVar variation 2096126 (VCV002096126.4), dbSNP rs2503927401, ClinGen allele CA2580089055.
Genomic context (GRCh38, chr14:99,257,678, plus strand): 5'-CCAGGGCCTTGTCATAGCAGGCACCCAAGCTGCCGCCACACTGCTTCCTTTTGTGCTCTA[T>TA]AAAAACCAGGATGTCCCCCAAGGGGAAGTTCATTTGACACTGGCCACAGGTGAGCAGGTC-3'